The following is an entry in ClinVar:

ClinVar aggregate classification (germline): Uncertain significance (1 of 4 stars; one submission).

Submission:

GeneDx
Classification: Uncertain significance. Last evaluated: 2022-01-24. Review status: criteria provided, single submitter. Criteria: GeneDx Variant Classification Process June 2021. Collection method: clinical testing. Allele origin: germline. Affected: yes.
Comment: Not observed at significant frequency in large population cohorts (gnomAD); In silico analysis supports that this missense variant has a deleterious effect on protein structure/function; Has not been previously published as pathogenic or benign to our knowledge

NM_002764.4(PRPS1):c.160T>C (p.Tyr54His)

Gene: PRPS1 (phosphoribosyl pyrophosphate synthetase 1; plus strand). Cytogenetic location: Xq22.3.
Variant type: single nucleotide variant.
Coding change: c.160T>C on transcript NM_002764.4 (MANE Select); coding-DNA position 160, T replaced by C.
Protein change: p.Tyr54His; replaces tyrosine 54 with histidine.
Molecular consequence: missense variant. On other transcripts: intron variant (1).
Genome position (GRCh38, 1-based): chrX:107,639,332, T>C. VCF-style: chrX-107639332-T-C. GRCh37 (hg19) VCF-style: chrX-106882562-T-C.
Other names: c.-82-5845T>C (NM_001204402.2); short protein forms Y54H.
Identifiers: ClinVar variation 1698319 (VCV001698319.2), dbSNP rs2147681410, ClinGen allele CA413804491.